The following is an entry in ClinVar:

ClinVar aggregate classification (germline): Likely pathogenic (1 of 4 stars; one submission).

Conditions:
Inborn genetic diseases. Identifiers: MedGen C0950123, MeSH D030342.

Submission:

Ambry Genetics
Classification: Likely pathogenic for Inborn genetic diseases. Last evaluated: 2024-04-18. Review status: criteria provided, single submitter. Criteria: Ambry Variant Classification Scheme 2023. Collection method: clinical testing. Allele origin: germline.
Comment: The c.213+1G>A intronic variant results from a G to A substitution one nucleotide after exon 5 (coding exon 3) of the HNRNPK gene. Alterations that disrupt the canonical splice site are expected to result in aberrant splicing. The resulting transcript is predicted to be in-frame and is not expected to trigger nonsense-mediated mRNAdecay; however, direct evidence is unavailable. The exact functional effect of the altered amino acid sequence is unknown; however, the impacted region is critical for protein function (Ambry internal data). This variant was not reported in population-based cohorts in the Genome Aggregation Database (gnomAD). Another alteration impacting the same donor site (c.213+5G>A) has been reported in one individual with features consistent with Au-Kline syndrome (Choufani, 2022). This nucleotide position is highly conserved in available vertebrate species. In silico splice site analysis predicts that this alteration will weaken the native splice donor site. Based on the available evidence, this alteration is classified as likely pathogenic.

Literature cited by the submitters: PubMed 36130591.

NM_031263.4(HNRNPK):c.213+1G>A

Gene: HNRNPK (heterogeneous nuclear ribonucleoprotein K; minus strand). Cytogenetic location: 9q21.32.
Variant type: single nucleotide variant.
Coding change: c.213+1G>A on transcript NM_031263.4 (MANE Select); the canonical splice donor site of the intron after coding-DNA position 213, G replaced by A.
Molecular consequence: splice donor variant.
Genome position (GRCh38, 1-based): chr9:83,976,994, C>T on the plus strand (G>A on the coding strand, the complement: HNRNPK is on the minus strand). VCF-style: chr9-83976994-C-T. GRCh37 (hg19) VCF-style: chr9-86591909-C-T.
Other names: c.213+1G>A (NM_031262.4, NM_002140.5, NM_001318186.2 and 2 more transcripts).
Identifiers: ClinVar variation 3106413 (VCV003106413.2), dbSNP rs2492017105, ClinGen allele CA373931274.